The following is an entry in ClinVar:

ClinVar aggregate classification (germline): Conflicting classifications of pathogenicity. Review status: criteria provided, conflicting classifications (1 of 4 stars). 8 submissions from 8 submitters: Uncertain significance (7); Likely benign (1). Last evaluated 2026-01-02.

Conditions:
Hereditary cancer-predisposing syndrome. Also called: Neoplastic Syndromes, Hereditary; Tumor predisposition; Hereditary Cancer Syndrome; Hereditary neoplastic syndrome. Identifiers: Orphanet 140162, MedGen C0027672, MeSH D009386, MONDO:0015356.
Familial cancer of breast. Also called: BREAST CANCER, FAMILIAL; hereditary breast carcinoma; Hereditary breast cancer. Identifiers: Orphanet 227535, MedGen C0346153, MONDO:0016419, OMIM 114480. Disease mechanism: loss of function.

gnomAD v4.1: 46 of 1,613,588 alleles (0.0029%); highest among the groups gnomAD compares: Non-Finnish European, 0.0038%; no homozygotes.

Submissions (8):

Labcorp Genetics (formerly Invitae), Labcorp
Classification: Uncertain significance for Familial cancer of breast. Last evaluated: 2026-01-02. Review status: criteria provided, single submitter. Criteria: Invitae Variant Classification Sherloc (09022015). Collection method: clinical testing. Allele origin: germline.
Comment: This sequence change replaces proline, which is neutral and non-polar, with arginine, which is basic and polar, at codon 85 of the CHEK2 protein (p.Pro85Arg). This variant is present in population databases (no rsID available, gnomAD 0.003%). This missense change has been observed in individual(s) with breast and/or ovarian cancer (PMID: 22114986, 32923877, 38061684). ClinVar contains an entry for this variant (Variation ID: 233261). An algorithm developed to predict the effect of missense changes on protein structure and function (PolyPhen-2) suggests that this variant is likely to be tolerated. Experimental studies are conflicting or provide insufficient evidence to determine the effect of this variant on CHEK2 function (PMID: 22114986, 37449874). RNA analysis performed to evaluate the impact of this missense change on mRNA splicing indicates it does not significantly alter splicing (internal data). In summary, the available evidence is currently insufficient to determine the role of this variant in disease. Therefore, it has been classified as a Variant of Uncertain Significance.

Color Diagnostics, LLC DBA Color Health
Classification: Likely benign for Hereditary cancer-predisposing syndrome. Last evaluated: 2025-08-05. Review status: criteria provided, single submitter. Criteria: ACMG Guidelines, 2015. Collection method: clinical testing. Allele origin: germline.

Ambry Genetics
Classification: Uncertain significance for Hereditary cancer-predisposing syndrome. Last evaluated: 2025-04-29. Review status: criteria provided, single submitter. Criteria: Ambry Variant Classification Scheme 2023. Collection method: clinical testing. Allele origin: germline.
Comment: The p.P85R variant (also known as c.254C>G), located in coding exon 1 of the CHEK2 gene, results from a C to G substitution at nucleotide position 254. The proline at codon 85 is replaced by arginine, an amino acid with dissimilar properties. This variant has been identified in multiple individuals diagnosed with breast cancer (Desrichard A et al. Breast Cancer Res. 2011;13(6):R119; Greville-Heygate SL et al. JCO Precis Oncol, 2020 May;4). This variant has also been reported in at least one subject in a study of 13087 breast cancer cases and 5488 control individuals in the UK (Decker B et al. J Med Genet, 2017 11;54:732-741). This variant demonstrated reduced kinase activity compared to wild type in vitro (Desrichard A et al. Breast Cancer Res. 2011;13(6):R119). However, this variant was reported as functional in a study assessing CHEK2-complementation through quantification of KAP1 phosphorylation and CHK2 autophosphorylation in human RPE1-CHEK2-knockout cells (Stolarova L et al. Clin Cancer Res, 2023 Aug;29:3037-3050). This amino acid position is highly conserved in available vertebrate species. In addition, the in silico prediction for this alteration is inconclusive. Based on the available evidence, the clinical significance of this variant remains unclear.

Mayo Clinic Laboratories, Mayo Clinic
Classification: Uncertain significance. Last evaluated: 2024-07-08. Review status: criteria provided, single submitter. Criteria: ACMG Guidelines, 2015. Collection method: clinical testing. Allele origin: germline. Observed: 1 variant allele.
Comment: PM2, PS3_supporting

Baylor Genetics
Classification: Uncertain significance for Familial cancer of breast. Last evaluated: 2024-01-06. Review status: criteria provided, single submitter. Criteria: ACMG Guidelines, 2015. Collection method: clinical testing. Allele origin: unknown.

Women's Health and Genetics/Laboratory Corporation of America, LabCorp
Classification: Uncertain significance. Last evaluated: 2023-04-03. Review status: criteria provided, single submitter. Criteria: LabCorp Variant Classification Summary - May 2015. Collection method: clinical testing. Allele origin: germline.
Comment: Variant summary: CHEK2 c.254C>G (p.Pro85Arg) results in a non-conservative amino acid change in the encoded protein sequence. Three of five in-silico tools predict a benign effect of the variant on protein function. The variant allele was found at a frequency of 1.6e-05 in 253842 control chromosomes (gnomAD). c.254C>G has been reported in the literature in both control individuals as well as individuals affected with Breast Cancer (Desrichard_2011, Decker_2017, Girard_2019, Greville-Heygate_2020, Dorling_2021). These reports do not provide unequivocal conclusions about association of the variant with Hereditary Breast And Ovarian Cancer Syndrome. Experimental evidence demonstrated that the variant had intermediate activity, showing approximately 50% reduction in activity compared to wild-type (Desrichard_2011). Five ClinVar submitters have assessed the variant since 2014: all five classified the variant as uncertain significance. Based on the evidence outlined above, the variant was classified as VUS-possibly pathogenic.

GeneDx
Classification: Uncertain significance. Last evaluated: 2022-09-27. Review status: criteria provided, single submitter. Criteria: GeneDx Variant Classification Process June 2021. Collection method: clinical testing. Allele origin: germline. Affected: yes.
Comment: Not observed at significant frequency in large population cohorts (gnomAD); In silico analysis supports that this missense variant has a deleterious effect on protein structure/function; Published functional studies demonstrate decreased kinase activity (Desrichard et al., 2011); This variant is associated with the following publications: (PMID: 22114986, 11746983, 32923877)

Quest Diagnostics Nichols Institute San Juan Capistrano
Classification: Uncertain significance. Last evaluated: 2017-10-11. Review status: criteria provided, single submitter. Criteria: Quest Diagnostics criteria. Collection method: clinical testing. Allele origin: unknown.

Literature cited by the submitters: PubMed 22114986 (cited by 4 submitters); PubMed 32923877 (cited by 4 submitters); PubMed 38061684 (cited by Labcorp Genetics (formerly Invitae), Labcorp); PubMed 37449874 (cited by Labcorp Genetics (formerly Invitae), Labcorp and Ambry Genetics); PubMed 28779002 (cited by 3 submitters); PubMed 30303537 (cited by Mayo Clinic Laboratories, Mayo Clinic and Women's Health and Genetics/Laboratory Corporation of America, LabCorp); PubMed 33471991 (cited by Women's Health and Genetics/Laboratory Corporation of America, LabCorp).

NM_007194.4(CHEK2):c.254C>G (p.Pro85Arg)

Gene: CHEK2 (checkpoint kinase 2; minus strand). Cytogenetic location: 22q12.1.
Variant type: single nucleotide variant.
Coding change: c.254C>G on transcript NM_007194.4 (MANE Select); coding-DNA position 254, C replaced by G.
Protein change: p.Pro85Arg; replaces proline 85 with arginine.
Molecular consequence: missense variant.
Genome position (GRCh38, 1-based): chr22:28,734,468, G>C on the plus strand (C>G on the coding strand, the complement: CHEK2 is on the minus strand). VCF-style: chr22-28734468-G-C. GRCh37 (hg19) VCF-style: chr22-29130456-G-C.
Other names: c.254C>G, p.Pro85Arg (NM_001005735.3, NM_001349956.3, NM_145862.3); c.-524C>G (NM_001257387.3); short protein forms P85R.
Identifiers: ClinVar variation 233261 (VCV000233261.30), dbSNP rs17883862, ClinGen allele CA10581107.